The following is an entry in ClinVar:

NM_004563.4(PCK2):c.1676G>T (p.Cys559Phe)

Genes: NRL (neural retina leucine zipper; minus strand), PCK2 (phosphoenolpyruvate carboxykinase 2, mitochondrial; plus strand). Cytogenetic location: 14q12.
Variant type: single nucleotide variant.
Coding change: c.1676G>T on transcript NM_004563.4 (MANE Select); coding-DNA position 1676, G replaced by T.
Protein change: p.Cys559Phe; replaces cysteine 559 with phenylalanine.
Molecular consequence: missense variant. On other transcripts: intron variant (3).
Genome position (GRCh38, 1-based): chr14:24,103,717, G>T. VCF-style: chr14-24103717-G-T. GRCh37 (hg19) VCF-style: chr14-24572926-G-T.
Other names: c.1274G>T, p.Cys425Phe (NM_001291556.2, NM_001308054.2); c.-28+11005C>A (NM_001354768.3, NM_001354770.2); c.-254+11005C>A (NM_006177.5); short protein forms C425F, C559F.
Identifiers: ClinVar variation 4775354 (VCV004775354.1).
Genomic context (GRCh38, chr14:24,103,717, plus strand): 5'-AGGCAGGGCACTTCCTGTGGCCAGGCTTTGGGGAGAATGCTCGGGTGCTAGACTGGATCT[G>T]CCGGCGGTTAGAGGGGGAGGACAGTGCCCGAGAGACACCCATTGGGCTGGTGCCAAAGGA-3'
Protein context (NP_004554.3, residues 549-569): GENARVLDWI[Cys559Phe]RRLEGEDSAR

ClinVar aggregate classification (germline): Uncertain significance (1 of 4 stars; one submission).

gnomAD v4.1: 3 of 1,614,094 alleles (0.00019%); highest among the groups gnomAD compares: African/African-American, 0.0027%; no homozygotes.

Submission:

Labcorp Genetics (formerly Invitae), Labcorp
Classification: Uncertain significance. Last evaluated: 2025-07-16. Review status: criteria provided, single submitter. Criteria: Invitae Variant Classification Sherloc (09022015). Collection method: clinical testing. Allele origin: germline.
Comment: This sequence change replaces cysteine, which is neutral and slightly polar, with phenylalanine, which is neutral and non-polar, at codon 559 of the PCK2 protein (p.Cys559Phe). This variant is present in population databases (rs759687732, gnomAD 0.003%). This variant has not been reported in the literature in individuals affected with PCK2-related conditions. Invitae Evidence Modeling of protein sequence and biophysical properties (such as structural, functional, and spatial information, amino acid conservation, physicochemical variation, residue mobility, and thermodynamic stability) indicates that this missense variant is not expected to disrupt PCK2 protein function with a negative predictive value of 80%. In summary, the available evidence is currently insufficient to determine the role of this variant in disease. Therefore, it has been classified as a Variant of Uncertain Significance.